The following is an entry in ClinVar:

ClinVar aggregate classification (germline): Likely benign. Review status: criteria provided, multiple submitters, no conflicts (2 of 4 stars). 4 submissions from 4 submitters: Likely benign (4). Last evaluated 2025-10-27.

Conditions:
TTN-related disorder. Also called: TTN-related condition; TTN-related disease; TTN-related disorders.
Autosomal recessive limb-girdle muscular dystrophy type 2J (LGMDR10). Also called: Limb-girdle muscular dystrophy, type 2J; MUSCULAR DYSTROPHY, LIMB-GIRDLE, AUTOSOMAL RECESSIVE 10. Identifiers: Orphanet 140922, MedGen C1837342, MONDO:0012127, OMIM 608807.
Dilated cardiomyopathy 1G (CMD1G). Identifiers: Orphanet 154, MedGen C1858763, MONDO:0011400, OMIM 604145.
Cardiovascular phenotype. Identifiers: MedGen CN230736.

Allele frequency attached by ClinVar (database versions not stated): gnomAD exomes below 0.00001 and 0.00001; TOPMed 0.00003.
gnomAD v4.1: 17 of 1,613,756 alleles (0.0011%); highest among the groups gnomAD compares: Non-Finnish European, 0.0014%; no homozygotes.

Submissions (4):

Labcorp Genetics (formerly Invitae), Labcorp
Classification: Likely benign for Dilated cardiomyopathy 1G; Autosomal recessive limb-girdle muscular dystrophy type 2J. Last evaluated: 2025-10-27. Review status: criteria provided, single submitter. Criteria: Invitae Variant Classification Sherloc (09022015). Collection method: clinical testing. Allele origin: germline.

CeGaT Center for Human Genetics Tuebingen
Classification: Likely benign. Last evaluated: 2025-07-01. Review status: criteria provided, single submitter. Criteria: CeGaT Center For Human Genetics Tuebingen Variant Classification Criteria Version 2. Collection method: clinical testing. Allele origin: germline. Affected: yes. Observed: 1 variant allele.
Comment: TTN: BP4, BP7

PreventionGenetics, part of Exact Sciences
Classification: Likely benign for TTN-related condition. Last evaluated: 2024-12-17. Review status: criteria provided, single submitter. Criteria: ACMG Guidelines, 2015. Collection method: clinical testing. Allele origin: germline.
Comment: This variant is classified as likely benign based on ACMG/AMP sequence variant interpretation guidelines (Richards et al. 2015 PMID: 25741868, with internal and published modifications).

Ambry Genetics
Classification: Likely benign for Cardiovascular phenotype. Last evaluated: 2022-04-04. Review status: criteria provided, single submitter. Criteria: Ambry Variant Classification Scheme 2023. Collection method: clinical testing. Allele origin: germline.

NM_001267550.2(TTN):c.99709T>C (p.Leu33237=)

Genes: TTN (titin; minus strand), TTN-AS1 (TTN antisense RNA 1; plus strand), LOC126806420 (BRD4-independent group 4 enhancer GRCh37_chr2:179401104-179402303; plus strand). Cytogenetic location: 2q31.2.
Variant type: single nucleotide variant.
Coding change: c.99709T>C on transcript NM_001267550.2 (MANE Select); coding-DNA position 99709, T replaced by C.
Protein change: p.Leu33237=; no amino-acid change (leucine 33237 retained).
Molecular consequence: synonymous variant. On other transcripts: non-coding transcript variant (1).
Genome position (GRCh38, 1-based): chr2:178,537,498, A>G on the plus strand (T>C on the coding strand, the complement: TTN is on the minus strand). VCF-style: chr2-178537498-A-G. GRCh37 (hg19) VCF-style: chr2-179402225-A-G.
Other names: c.94786T>C, p.Leu31596= (NM_001256850.1); c.72514T>C, p.Leu24172= (NM_003319.4); c.92005T>C, p.Leu30669= (NM_133378.4); c.72889T>C, p.Leu24297= (NM_133432.3); c.73090T>C, p.Leu24364= (NM_133437.4).
Identifiers: ClinVar variation 1102067 (VCV001102067.20), dbSNP rs879202597, ClinGen allele CA60961592.